The following is an entry in ClinVar:

ClinVar aggregate classification (germline): Uncertain significance. Review status: criteria provided, multiple submitters, no conflicts (2 of 4 stars). 2 submissions from 2 submitters: Uncertain significance (2). Last evaluated 2025-10-15.

Conditions:
ZCCHC8-related disorder. Also called: ZCCHC8-related condition.

Allele frequency attached by ClinVar (database versions not stated): gnomAD 0.00001; TOPMed 0.00001; gnomAD exomes 0.00002.

Submissions (2):

PreventionGenetics, part of Exact Sciences
Classification: Uncertain significance for ZCCHC8-related condition. Last evaluated: 2025-10-15. Review status: criteria provided, single submitter. Criteria: ACMG Guidelines, 2015. Collection method: clinical testing. Allele origin: germline.
Comment: The ZCCHC8 c.1151T>A variant is predicted to result in the amino acid substitution p.Ile384Asn. This variant has been reported in an individual with common variable immunodeficiency (Rolles et al. 2023. PubMed ID: 37944684). This variant is reported in 0.0021% of alleles in individuals of European (Non-Finnish) descent in gnomAD. At this time, the clinical significance of this variant is uncertain due to the absence of conclusive functional and genetic evidence.

Labcorp Genetics (formerly Invitae), Labcorp
Classification: Uncertain significance. Last evaluated: 2023-08-09. Review status: criteria provided, single submitter. Criteria: Invitae Variant Classification Sherloc (09022015). Collection method: clinical testing. Allele origin: germline.
Comment: In summary, the available evidence is currently insufficient to determine the role of this variant in disease. Therefore, it has been classified as a Variant of Uncertain Significance. Advanced modeling of protein sequence and biophysical properties (such as structural, functional, and spatial information, amino acid conservation, physicochemical variation, residue mobility, and thermodynamic stability) performed at Invitae indicates that this missense variant is not expected to disrupt ZCCHC8 protein function. ClinVar contains an entry for this variant (Variation ID: 1933128). This variant has not been reported in the literature in individuals affected with ZCCHC8-related conditions. The frequency data for this variant in the population databases is considered unreliable, as metrics indicate poor data quality at this position in the gnomAD database. This sequence change replaces isoleucine, which is neutral and non-polar, with asparagine, which is neutral and polar, at codon 384 of the ZCCHC8 protein (p.Ile384Asn).

NM_017612.5(ZCCHC8):c.1151T>A (p.Ile384Asn)

Gene: ZCCHC8 (zinc finger CCHC-type containing 8; minus strand). Cytogenetic location: 12q24.31.
Variant type: single nucleotide variant.
Coding change: c.1151T>A on transcript NM_017612.5 (MANE Select); coding-DNA position 1151, T replaced by A.
Protein change: p.Ile384Asn; replaces isoleucine 384 with asparagine.
Molecular consequence: missense variant.
Genome position (GRCh38, 1-based): chr12:122,478,282, A>T on the plus strand (T>A on the coding strand, the complement: ZCCHC8 is on the minus strand). VCF-style: chr12-122478282-A-T. GRCh37 (hg19) VCF-style: chr12-122962829-A-T.
Other names: c.1151T>A (NM_017612.4); c.920T>A, p.Ile307Asn (NM_001350935.2); c.854T>A, p.Ile285Asn (NM_001350936.2); c.437T>A, p.Ile146Asn (NM_001350937.2, NM_001350938.2); short protein forms I146N, I384N, I285N, I307N.
Identifiers: ClinVar variation 1933128 (VCV001933128.6), dbSNP rs200751258, ClinGen allele CA244754356.
Genomic context (GRCh38, chr12:122,478,282, plus strand): 5'-GTAAGGTAATTGGCAAACACATCCTTCTGCTGACATGCCTGCATTGGTATGGAACCAAAG[A>T]TCCTCCATTCCTAATGATGAAAAGAGAAGGAAAAAAAAAACACATGTATTTGGAAAATGT-3'
Protein context (NP_060082.2, residues 374-394): TPRGIPDEWR[Ile384Asn]FGSIPMQACQ